The following is an entry in ClinVar:

NM_004360.5(CDH1):c.1117C>A (p.Pro373Thr)

Gene: CDH1 (cadherin 1; plus strand). Cytogenetic location: 16q22.1.
Variant type: single nucleotide variant.
Coding change: c.1117C>A on transcript NM_004360.5 (MANE Select); coding-DNA position 1117, C replaced by A.
Protein change: p.Pro373Thr; replaces proline 373 with threonine.
Molecular consequence: missense variant. On other transcripts: 5 prime UTR variant (2).
Genome position (GRCh38, 1-based): chr16:68,812,243, C>A. VCF-style: chr16-68812243-C-A. GRCh37 (hg19) VCF-style: chr16-68846146-C-A.
Other names: c.1117C>A, p.Pro373Thr (NM_001317184.2); c.-499C>A (NM_001317185.2); c.-703C>A (NM_001317186.2); short protein forms P373T.
Identifiers: ClinVar variation 5033923 (VCV005033923.1).

ClinVar aggregate classification (germline): Uncertain significance (1 of 4 stars; one submission).

Conditions:
Hereditary cancer-predisposing syndrome. Also called: Neoplastic Syndromes, Hereditary; Tumor predisposition; Hereditary neoplastic syndrome; Hereditary Cancer Syndrome. Identifiers: Orphanet 140162, MedGen C0027672, MeSH D009386, MONDO:0015356.

Submission:

Ambry Genetics
Classification: Uncertain significance for Hereditary cancer-predisposing syndrome. Last evaluated: 2026-07-06. Review status: criteria provided, single submitter. Criteria: Ambry Variant Classification Scheme 2023. Collection method: clinical testing. Allele origin: germline.
Comment: The p.P373T variant (also known as c.1117C>A), located in coding exon 8 of the CDH1 gene, results from a C to A substitution at nucleotide position 1117. The proline at codon 373 is replaced by threonine, an amino acid with highly similar properties. This amino acid position is conserved. In addition, this alteration is predicted to be deleterious by in silico analysis. Based on the available evidence, the clinical significance of this variant remains unclear.